The following is an entry in ClinVar:

NM_018685.5(ANLN):c.2006T>G (p.Leu669Arg)

Gene: ANLN (anillin, actin binding protein; plus strand). Cytogenetic location: 7p14.2.
Variant type: single nucleotide variant.
Coding change: c.2006T>G on transcript NM_018685.5 (MANE Select); coding-DNA position 2006, T replaced by G.
Protein change: p.Leu669Arg; replaces leucine 669 with arginine.
Molecular consequence: missense variant.
Genome position (GRCh38, 1-based): chr7:36,420,305, T>G. VCF-style: chr7-36420305-T-G. GRCh37 (hg19) VCF-style: chr7-36459914-T-G.
Other names: c.1895T>G, p.Leu632Arg (NM_001284301.3); c.1892T>G, p.Leu631Arg (NM_001284302.3); short protein forms L631R, L632R, L669R.
Identifiers: ClinVar variation 1349598 (VCV001349598.8), dbSNP rs2116658046, ClinGen allele CA367212738.

ClinVar aggregate classification (germline): Uncertain significance (1 of 4 stars; one submission).

Submission:

Labcorp Genetics (formerly Invitae), Labcorp
Classification: Uncertain significance. Last evaluated: 2021-04-28. Review status: criteria provided, single submitter. Criteria: Invitae Variant Classification Sherloc (09022015). Collection method: clinical testing. Allele origin: germline.
Comment: Algorithms developed to predict the effect of missense changes on protein structure and function are either unavailable or do not agree on the potential impact of this missense change (SIFT: "Deleterious"; PolyPhen-2: "Probably Damaging"; Align-GVGD: "Class C0"). In summary, the available evidence is currently insufficient to determine the role of this variant in disease. Therefore, it has been classified as a Variant of Uncertain Significance. This sequence change replaces leucine with arginine at codon 669 of the ANLN protein (p.Leu669Arg). The leucine residue is highly conserved and there is a moderate physicochemical difference between leucine and arginine. This variant is not present in population databases (ExAC no frequency). This variant has not been reported in the literature in individuals with ANLN-related conditions.